The following is an entry in ClinVar:

NM_000368.5(TSC1):c.2191G>T (p.Glu731Ter)

Gene: TSC1 (TSC complex subunit 1; minus strand). Cytogenetic location: 9q34.13.
Variant type: single nucleotide variant.
Coding change: c.2191G>T on transcript NM_000368.5 (MANE Select); coding-DNA position 2191, G replaced by T.
Protein change: p.Glu731Ter; replaces glutamic acid 731 with a stop codon.
Molecular consequence: nonsense.
Genome position (GRCh38, 1-based): chr9:132,903,668, C>A on the plus strand (G>T on the coding strand, the complement: TSC1 is on the minus strand). VCF-style: chr9-132903668-C-A. GRCh37 (hg19) VCF-style: chr9-135779055-C-A.
Other names: c.2188G>T, p.Glu730Ter (NM_001162426.2); c.2038G>T, p.Glu680Ter (NM_001162427.2); c.1828G>T, p.Glu610Ter (NM_001362177.2); short protein forms E731*, E730*, E610*, E680*.
Identifiers: ClinVar variation 64766 (VCV000064766.6), dbSNP rs397514820, ClinGen allele CA006117.

ClinVar aggregate classification (germline): Pathogenic. Review status: criteria provided, multiple submitters, no conflicts (2 of 4 stars). 3 submissions from 3 submitters: Pathogenic (2). 1 of the submissions does not count toward it. Last evaluated 2024-04-30.

Conditions:
Tuberous sclerosis 1 (TSC1). Identifiers: Orphanet 805, MedGen C1854465, MONDO:0008612, OMIM 191100.
Tuberous sclerosis syndrome (TSC). Also called: Tuberous Sclerosis Complex; Tuberous sclerosis. Identifiers: Orphanet 805, MedGen C0041341, MONDO:0001734.

Submissions (3):

Institute of Human Genetics, University of Leipzig Medical Center
Classification: Pathogenic for Tuberous sclerosis 1. Last evaluated: 2024-04-30. Review status: criteria provided, single submitter. Criteria: ACMG Guidelines, 2015. Collection method: clinical testing. Allele origin: unknown. Inheritance: Autosomal dominant inheritance. Affected: yes.
Comment: Criteria applied: PVS1,PS4_SUP,PM2_SUP

Labcorp Genetics (formerly Invitae), Labcorp
Classification: Pathogenic for Tuberous sclerosis 1. Last evaluated: 2020-09-21. Review status: criteria provided, single submitter. Criteria: Invitae Variant Classification Sherloc (09022015). Collection method: clinical testing. Allele origin: germline.
Comment: This sequence change creates a premature translational stop signal (p.Glu731*) in the TSC1 gene. It is expected to result in an absent or disrupted protein product. This variant is not present in population databases (ExAC no frequency). This variant has not been reported in the literature in individuals with TSC1-related conditions. ClinVar contains an entry for this variant (Variation ID: 64766). Loss-of-function variants in TSC1 are known to be pathogenic (PMID: 10227394, 17304050). For these reasons, this variant has been classified as Pathogenic.

Tuberous sclerosis database (TSC1)
No classification provided. Condition: TSC. Review status: no classification provided. Criteria: Tuberous Sclerosis Database Assertion Criteria 2015. Collection method: curation. Allele origin: germline. Affected: yes. Not counted in ClinVar's aggregate classification.

Literature cited by the submitters: PubMed 10227394 (cited by Labcorp Genetics (formerly Invitae), Labcorp); PubMed 17304050 (cited by Labcorp Genetics (formerly Invitae), Labcorp).